The following is an entry in ClinVar:

NM_033629.6(TREX1):c.-27+4_-27+7dup

Genes: ATRIP (ATR interacting protein; plus strand), ATRIP-TREX1 (ATRIP-TREX1 readthrough; plus strand), TREX1 (three prime repair exonuclease 1; plus strand). Cytogenetic location: 3p21.31.
Variant type: Duplication.
Coding change: c.-27+4_-27+7dup on transcript NM_033629.6 (MANE Select); bases 4 to 7 of the intron after 27 bases upstream of the start codon, 4 bases duplicated (AGTG; older notation c.-27+4_-27+7dupAGTG).
Molecular consequence: splice donor variant. On other transcripts: 3 prime UTR variant (4), intron variant (1).
Genome position (GRCh38, 1-based): chr3:48,466,313-48,466,316, AGTG duplicated; duplicating any 4 consecutive bases within chr3:48,466,310-48,466,316 gives the same sequence; the c. name uses the placement nearest the transcript's 3' end. VCF-style (leftmost placement, unchanged base first): chr3-48466309-G-GGTGA. GRCh37 (hg19) VCF-style: chr3-48507708-G-GGTGA.
Other names: c.*759_*762dup (NM_001271022.2, NM_001271023.2, NM_032166.4 and 1 more transcripts); c.-19+144_-19+147dup (NM_007248.5).
Identifiers: ClinVar variation 4884071 (VCV004884071.2).

ClinVar aggregate classification (germline): Uncertain significance (1 of 4 stars; one submission).

Conditions:
TREX1-related type 1 interferonopathy. Identifiers: MedGen CN377542, MONDO:0700256.

Submission:

Dasa
Classification: Uncertain significance for TREX1-related type 1 interferonopathy. Last evaluated: 2025-12-09. Review status: criteria provided, single submitter. Criteria: DASA Assertion Criteria. Collection method: clinical testing. Allele origin: germline.
Comment: NM_033629.6(TREX1):c.-27+4_-27+7dup is an intronic variant. This variant is rare in population databases. The currently available literature and clinical evidence are not sufficient to establish a definitive association between this variant and the reported condition. Therefore, this variant is classified as a variant of uncertain significance.